The following is an entry in ClinVar:

NM_024675.4(PALB2):c.1949A>C (p.Glu650Ala)

Gene: PALB2 (partner and localizer of BRCA2; minus strand). Cytogenetic location: 16p12.2.
Variant type: single nucleotide variant.
Coding change: c.1949A>C on transcript NM_024675.4 (MANE Select); coding-DNA position 1949, A replaced by C.
Protein change: p.Glu650Ala; replaces glutamic acid 650 with alanine.
Molecular consequence: missense variant.
Genome position (GRCh38, 1-based): chr16:23,630,205, T>G on the plus strand (A>C on the coding strand, the complement: PALB2 is on the minus strand). VCF-style: chr16-23630205-T-G. GRCh37 (hg19) VCF-style: chr16-23641526-T-G.
Other names: short protein forms E650A.
Identifiers: ClinVar variation 926435 (VCV000926435.4), dbSNP rs1966862898, ClinGen allele CA395127401.

ClinVar aggregate classification (germline): Uncertain significance (1 of 4 stars; one submission).

Conditions:
Hereditary cancer-predisposing syndrome. Also called: Neoplastic Syndromes, Hereditary; Tumor predisposition; Hereditary Cancer Syndrome; Hereditary neoplastic syndrome. Identifiers: Orphanet 140162, MedGen C0027672, MeSH D009386, MONDO:0015356.

Submission:

Color Diagnostics, LLC DBA Color Health
Classification: Uncertain significance for Hereditary cancer-predisposing syndrome. Last evaluated: 2023-12-05. Review status: criteria provided, single submitter. Criteria: ACMG Guidelines, 2015. Collection method: clinical testing. Allele origin: germline.
Comment: This missense variant replaces glutamic acid with alanine at codon 650 of the PALB2 protein. Computational prediction suggests that this variant may not impact protein structure and function (internally defined REVEL score threshold <= 0.5, PMID: 27666373). To our knowledge, functional studies have not been reported for this variant. This variant has not been reported in individuals affected with PALB2-related disorders in the literature. This variant has not been identified in the general population by the Genome Aggregation Database (gnomAD). The available evidence is insufficient to determine the role of this variant in disease conclusively. Therefore, this variant is classified as a Variant of Uncertain Significance.